The following is an entry in ClinVar:

NM_000092.5(COL4A4):c.2171del (p.Arg724fs)

Gene: COL4A4 (collagen type IV alpha 4 chain; minus strand). Cytogenetic location: 2q36.3.
Variant type: Deletion.
Coding change: c.2171del on transcript NM_000092.5 (MANE Select); coding-DNA position 2171, one base deleted (G; older notation c.2171delG).
Protein change: p.Arg724fs; shifts the reading frame from arginine 724.
Molecular consequence: frameshift variant.
Genome position (GRCh38, 1-based): chr2:227,059,617, C deleted on the plus strand (G on the coding strand, the reverse complement: COL4A4 is on the minus strand). VCF-style (leftmost placement, unchanged base first): chr2-227059616-AC-A. GRCh37 (hg19) VCF-style: chr2-227924332-AC-A.
Other names: short protein forms R724fs.
Identifiers: ClinVar variation 635547 (VCV000635547.6), dbSNP rs1576207007, ClinGen allele CA913187459.

ClinVar aggregate classification (germline): Pathogenic. Review status: criteria provided, multiple submitters, no conflicts (2 of 4 stars). 3 submissions from 3 submitters: Pathogenic (2). 1 of the submissions does not count toward it. Last evaluated 2023-01-20.

Conditions:
Autosomal dominant Alport syndrome (ATS3A). Also called: Alport syndrome dominant type; Renal failure and sensorineural hearing loss; ALPORT SYNDROME 3A, AUTOSOMAL DOMINANT. Identifiers: Orphanet 63, Orphanet 88918, MedGen C5882663, MONDO:0007086, OMIM 104200.
Autosomal recessive Alport syndrome (ATS2). Also called: COL4A4 Alport Syndrome and Thin Basement Membrane Nephropathy; ALPORT SYNDROME 2, AUTOSOMAL RECESSIVE; Alport syndrome type 2; COL4A3-Related Nephropathy. Identifiers: Orphanet 63, Orphanet 88919, MedGen C4746745, MONDO:0008762, OMIM 203780.
Benign familial hematuria. Also called: thin basement membrane disease. Identifiers: MedGen C0241908, MONDO:0957317.

Allele frequency attached by ClinVar (database versions not stated): TOPMed below 0.00001; gnomAD 0.00001.

Submissions (3):

Labcorp Genetics (formerly Invitae), Labcorp
Classification: Pathogenic. Last evaluated: 2023-01-20. Review status: criteria provided, single submitter. Criteria: Invitae Variant Classification Sherloc (09022015). Collection method: clinical testing. Allele origin: germline.
Comment: ClinVar contains an entry for this variant (Variation ID: 635547). For these reasons, this variant has been classified as Pathogenic. This premature translational stop signal has been observed in individuals with COL4A4-related conditions (PMID: 26809805). This sequence change creates a premature translational stop signal (p.Arg724Leufs*29) in the COL4A4 gene. It is expected to result in an absent or disrupted protein product. Loss-of-function variants in COL4A4 are known to be pathogenic (PMID: 21196518, 24854265, 25307543). This variant is not present in population databases (gnomAD no frequency).

Fulgent Genetics
Classification: Pathogenic for Hematuria, benign familial, 1; Autosomal recessive Alport syndrome. Last evaluated: 2021-10-14. Review status: criteria provided, single submitter. Criteria: ACMG Guidelines, 2015. Collection method: clinical testing. Allele origin: unknown.

Bioscientia Institut fuer Medizinische Diagnostik GmbH, Sonic Healthcare
Classification: Pathogenic for Autosomal dominant Alport syndrome. Last evaluated: 2019-02-27. Review status: no assertion criteria provided. Collection method: clinical testing. Allele origin: germline. Affected: yes. Not counted in ClinVar's aggregate classification.

Literature cited by the submitters: PubMed 26809805 (cited by Labcorp Genetics (formerly Invitae), Labcorp); PubMed 21196518 (cited by Labcorp Genetics (formerly Invitae), Labcorp); PubMed 24854265 (cited by Labcorp Genetics (formerly Invitae), Labcorp); PubMed 25307543 (cited by Labcorp Genetics (formerly Invitae), Labcorp).